The following is an entry in ClinVar:

ClinVar aggregate classification (germline): Uncertain significance (1 of 4 stars; one submission).

Conditions:
Familial hypocalciuric hypercalcemia (FHH). Also called: Familial benign hypercalcemia. Identifiers: Orphanet 405, MedGen C1809471, MONDO:0018458.
Autosomal dominant hypocalcemia 1 (HYPOC1). Also called: HYPOCALCEMIA, FAMILIAL. Identifiers: MedGen C3715128, MONDO:0011013, OMIM 601198.

Submission:

Labcorp Genetics (formerly Invitae), Labcorp
Classification: Uncertain significance for Familial hypocalciuric hypercalcemia; Autosomal dominant hypocalcemia 1. Last evaluated: 2025-09-30. Review status: criteria provided, single submitter. Criteria: Invitae Variant Classification Sherloc (09022015). Collection method: clinical testing. Allele origin: germline.
Comment: This sequence change replaces glycine, which is neutral and non-polar, with glutamic acid, which is acidic and polar, at codon 442 of the CASR protein (p.Gly442Glu). This variant is not present in population databases (gnomAD no frequency). This variant has not been reported in the literature in individuals affected with CASR-related conditions. An algorithm developed to predict the effect of missense changes on protein structure and function (PolyPhen-2) suggests that this variant is likely to be disruptive. In summary, the available evidence is currently insufficient to determine the role of this variant in disease. Therefore, it has been classified as a Variant of Uncertain Significance.

NM_000388.4(CASR):c.1325G>A (p.Gly442Glu)

Gene: CASR (calcium sensing receptor; plus strand). Cytogenetic location: 3q21.1.
Variant type: single nucleotide variant.
Coding change: c.1325G>A on transcript NM_000388.4 (MANE Select); coding-DNA position 1325, G replaced by A.
Protein change: p.Gly442Glu; replaces glycine 442 with glutamic acid.
Molecular consequence: missense variant.
Genome position (GRCh38, 1-based): chr3:122,262,360, G>A. VCF-style: chr3-122262360-G-A. GRCh37 (hg19) VCF-style: chr3-121981207-G-A.
Other names: c.1325G>A, p.Gly442Glu (NM_001178065.2); short protein forms G442E.
Identifiers: ClinVar variation 4793878 (VCV004793878.1).